The following is an entry in ClinVar:

ClinVar aggregate classification (germline): Uncertain significance (1 of 4 stars; one submission).

Conditions:
Alstrom syndrome (ALMS). Identifiers: Orphanet 64, MedGen C0268425, MONDO:0008763, OMIM 203800.

Allele frequency attached by ClinVar (database versions not stated): gnomAD exomes below 0.00001; ExAC 0.00001; gnomAD 0.00001.
gnomAD v4.1: 3 of 1,609,324 alleles (0.00019%); highest among the groups gnomAD compares: Non-Finnish European, 0.00025%; no homozygotes.

Submission:

Labcorp Genetics (formerly Invitae), Labcorp
Classification: Uncertain significance for Alstrom syndrome. Last evaluated: 2021-09-19. Review status: criteria provided, single submitter. Criteria: Invitae Variant Classification Sherloc (09022015). Collection method: clinical testing. Allele origin: germline.
Comment: Experimental studies and prediction algorithms are not available or were not evaluated, and the functional significance of this variant is currently unknown. In summary, the available evidence is currently insufficient to determine the role of this variant in disease. Therefore, it has been classified as a Variant of Uncertain Significance. This variant has not been reported in the literature in individuals affected with ALMS1-related conditions. This variant is present in population databases (rs759463622, ExAC 0.002%). This sequence change replaces histidine with arginine at codon 3499 of the ALMS1 protein (p.His3499Arg). The histidine residue is moderately conserved and there is a small physicochemical difference between histidine and arginine.

NM_001378454.1(ALMS1):c.10493A>G (p.His3498Arg)

Gene: ALMS1 (ALMS1 centrosome and basal body associated protein; plus strand). Cytogenetic location: 2p13.1.
Variant type: single nucleotide variant.
Coding change: c.10493A>G on transcript NM_001378454.1 (MANE Select); coding-DNA position 10493, A replaced by G.
Protein change: p.His3498Arg; replaces histidine 3498 with arginine.
Molecular consequence: missense variant.
Genome position (GRCh38, 1-based): chr2:73,572,370, A>G. VCF-style: chr2-73572370-A-G. GRCh37 (hg19) VCF-style: chr2-73799497-A-G.
Other names: c.10496A>G, p.His3499Arg (NM_015120.4); short protein forms H3499R, H3498R.
Identifiers: ClinVar variation 1378061 (VCV001378061.6), dbSNP rs759463622, ClinGen allele CA1715014.